The following is an entry in ClinVar:

NM_000256.3(MYBPC3):c.822-3C>A

Gene: MYBPC3 (myosin binding protein C3; minus strand). Cytogenetic location: 11p11.2.
Variant type: single nucleotide variant.
Coding change: c.822-3C>A on transcript NM_000256.3 (MANE Select); 3 bases into the intron before coding-DNA position 822, C replaced by A.
Molecular consequence: intron variant.
Genome position (GRCh38, 1-based): chr11:47,347,683, G>T on the plus strand (C>A on the coding strand, the complement: MYBPC3 is on the minus strand). VCF-style: chr11-47347683-G-T. GRCh37 (hg19) VCF-style: chr11-47369234-G-T.
Identifiers: ClinVar variation 4820491 (VCV004820491.1).

ClinVar aggregate classification (germline): Uncertain significance (1 of 4 stars; one submission).

Conditions:
Cardiovascular phenotype. Identifiers: MedGen CN230736.

Submission:

Molecular Diagnostic Laboratory for Inherited Cardiovascular Disease, Montreal Heart Institute
Classification: Uncertain significance for Cardiovascular phenotype. Last evaluated: 2026-03-27. Review status: criteria provided, single submitter. Criteria: ACMG Guidelines, 2015. Collection method: clinical testing. Allele origin: germline. Affected: yes.
Comment: PVS1_supp, PM2